The following is an entry in ClinVar:

NM_000059.4(BRCA2):c.4375_4378del (p.Asn1459fs)

Gene: BRCA2 (BRCA2 DNA repair associated; plus strand). Cytogenetic location: 13q13.1.
Variant type: Deletion.
Coding change: c.4375_4378del on transcript NM_000059.4 (MANE Select); coding-DNA positions 4375 to 4378, 4 bases deleted (AACT; older notation c.4375_4378delAACT).
Protein change: p.Asn1459fs; shifts the reading frame from asparagine 1459.
Molecular consequence: frameshift variant. On other transcripts: non-coding transcript variant (1), intron variant (2).
Genome position (GRCh38, 1-based): chr13:32,338,730-32,338,733, AACT deleted; deleting any 4 consecutive bases within chr13:32,338,729-32,338,733 gives the same sequence; the c. name uses the placement nearest the transcript's 3' end. VCF-style (leftmost placement, unchanged base first): chr13-32338728-ATAAC-A. GRCh37 (hg19) VCF-style: chr13-32912865-ATAAC-A.
Other names: c.4375_4378del, p.Asn1459fs (NM_001406719.1, NM_001406720.1, NM_001432077.1); c.1909+5343_1909+5346del (NM_001406721.1); c.425-5828_425-5825del (NM_001406722.1); short protein forms N1459fs.
Identifiers: ClinVar variation 3904687 (VCV003904687.1).

ClinVar aggregate classification (germline): Pathogenic (1 of 4 stars; one submission).

Conditions:
Breast-ovarian cancer, familial, susceptibility to, 2 (BROVCA2). Also called: BRCA2 Hereditary Breast and Ovarian Cancer. Identifiers: Orphanet 145, MedGen C2675520, MONDO:0012933, OMIM 612555. Disease mechanism: loss of function.

Submission:

Myriad Genetics, Inc.
Classification: Pathogenic for Breast-ovarian cancer, familial, susceptibility to, 2. Last evaluated: 2024-12-26. Review status: criteria provided, single submitter. Criteria: Myriad Autosomal Dominant, Autosomal Recessive and X-Linked Classification Criteria (2023). Collection method: clinical testing. Allele origin: unknown.
Comment: This variant is considered pathogenic. This variant creates a frameshift predicted to result in premature protein truncation.